The following is an entry in ClinVar:

NM_000245.4(MET):c.3688T>G (p.Tyr1230Asp)

Gene: MET (MET proto-oncogene, receptor tyrosine kinase; plus strand). Cytogenetic location: 7q31.2.
Variant type: single nucleotide variant.
Coding change: c.3688T>G on transcript NM_000245.4 (MANE Select); coding-DNA position 3688, T replaced by G.
Protein change: p.Tyr1230Asp; replaces tyrosine 1230 with aspartic acid.
Molecular consequence: missense variant.
Genome position (GRCh38, 1-based): chr7:116,783,359, T>G. VCF-style: chr7-116783359-T-G. GRCh37 (hg19) VCF-style: chr7-116423413-T-G.
Other names: c.3742T>G (NM_001127500.1); c.3742T>G, p.Tyr1248Asp (NM_001127500.3); c.2398T>G, p.Tyr800Asp (NM_001324402.2); short protein forms Y1230D, Y1248D, Y800D.
Identifiers: ClinVar variation 1448825 (VCV001448825.7), dbSNP rs121913247, ClinGen allele CA368991595.

ClinVar aggregate classification (germline): Uncertain significance. Review status: criteria provided, multiple submitters, no conflicts (2 of 4 stars). 2 submissions from 2 submitters: Uncertain significance (2). Last evaluated 2024-08-30.

Conditions:
Renal cell carcinoma. Identifiers: Orphanet 217071, MedGen C0007134, MeSH D002292, MONDO:0005086, HP:0005584.
Hereditary cancer-predisposing syndrome. Also called: Hereditary Cancer Syndrome; Hereditary neoplastic syndrome; Neoplastic Syndromes, Hereditary; Tumor predisposition. Identifiers: Orphanet 140162, MedGen C0027672, MeSH D009386, MONDO:0015356.

Allele frequency attached by ClinVar (database versions not stated): gnomAD exomes below 0.00001.
gnomAD v4.1: 1 of 1,614,172 alleles (0.000062%); highest among the groups gnomAD compares: Non-Finnish European, 0.000085%; no homozygotes.

Submissions (2):

Ambry Genetics
Classification: Uncertain significance for Hereditary cancer-predisposing syndrome. Last evaluated: 2024-08-30. Review status: criteria provided, single submitter. Criteria: Ambry Variant Classification Scheme 2023. Collection method: clinical testing. Allele origin: germline.
Comment: The p.Y1248D variant (also known as c.3742T>G), located in coding exon 18 of the MET gene, results from a T to G substitution at nucleotide position 3742. The tyrosine at codon 1248 is replaced by aspartic acid, an amino acid with highly dissimilar properties. This variant was detected in a patient diagnosed with papillary renal cell carcinoma (Lubensky IA et al. Am J Pathol. 1999 Aug;155:517-26). Functional analysis demonstrates the Y1248D mutation results in intermediate levels of constitutive phosphorylation and confers moderate transformation properties (Schmidt L et al. Oncogene. 1999 Apr;18:2343-50). This amino acid position is well conserved in available vertebrate species. In addition, this alteration is predicted to be deleterious by in silico analysis. Based on the available evidence, the clinical significance of this variant remains unclear.

Labcorp Genetics (formerly Invitae), Labcorp
Classification: Uncertain significance for Renal cell carcinoma. Last evaluated: 2021-10-05. Review status: criteria provided, single submitter. Criteria: Invitae Variant Classification Sherloc (09022015). Collection method: clinical testing. Allele origin: germline.
Comment: In summary, the available evidence is currently insufficient to determine the role of this variant in disease. Therefore, it has been classified as a Variant of Uncertain Significance. Advanced modeling of protein sequence and biophysical properties (such as structural, functional, and spatial information, amino acid conservation, physicochemical variation, residue mobility, and thermodynamic stability) performed at Invitae indicates that this missense variant is expected to disrupt MET protein function. This sequence change replaces tyrosine with aspartic acid at codon 1248 of the MET protein (p.Tyr1248Asp). The tyrosine residue is highly conserved and there is a large physicochemical difference between tyrosine and aspartic acid. This variant is not present in population databases (ExAC no frequency). This missense change has been observed in individual(s) with papillary renal cancer (PMID: 10433944).

Literature cited by the submitters: PubMed 10327054 (cited by Ambry Genetics); PubMed 10433944 (cited by Ambry Genetics and Labcorp Genetics (formerly Invitae), Labcorp).